The following is an entry in ClinVar:

NM_001130987.2(DYSF):c.1971dup (p.Ala658fs)

Gene: DYSF (dysferlin; plus strand). Cytogenetic location: 2p13.2.
Variant type: Duplication.
Coding change: c.1971dup on transcript NM_001130987.2 (MANE Select); coding-DNA position 1971, one base duplicated (T; older notation c.1971dupT).
Protein change: p.Ala658fs; shifts the reading frame from alanine 658.
Molecular consequence: frameshift variant.
Genome position (GRCh38, 1-based): chr2:71,553,175, T duplicated. VCF-style (leftmost placement, unchanged base first): chr2-71553174-G-GT. GRCh37 (hg19) VCF-style: chr2-71780304-G-GT.
Other names: c.1920dup, p.Ala641fs (NM_001130455.2, NM_001130983.2); c.1875dup, p.Ala626fs (NM_001130976.2, NM_001130977.2); c.1917dup, p.Ala640fs (NM_001130978.2, NM_003494.4); c.2010dup, p.Ala671fs (NM_001130979.2); c.1968dup, p.Ala657fs (NM_001130980.2, NM_001130981.2); c.2013dup, p.Ala672fs (NM_001130982.2); c.1878dup, p.Ala627fs (NM_001130984.2, NM_001130986.2); c.1971dup, p.Ala658fs (NM_001130985.2); short protein forms A626fs, A627fs, A640fs, A641fs, A657fs, A658fs, A671fs, A672fs.
Identifiers: ClinVar variation 5012231 (VCV005012231.1).

ClinVar aggregate classification (germline): Pathogenic (1 of 4 stars; one submission).

Conditions:
Autosomal recessive limb-girdle muscular dystrophy. Identifiers: Orphanet 102015, MedGen C2931907, MONDO:0015152.

Submission:

Myriad Genetics, Inc.
Classification: Pathogenic for Autosomal recessive limb-girdle muscular dystrophy. Last evaluated: 2023-09-27. Review status: criteria provided, single submitter. Criteria: Myriad Autosomal Dominant, Autosomal Recessive and X-Linked Classification Criteria (2023). Collection method: clinical testing. Allele origin: unknown.
Comment: NM_003494.3(DYSF):c.1917dupT(A640Cfs*4) is expected to be pathogenic in the context of dysferlinopathy. This variant is predicted to lead to an abnormal or absent protein product due to the creation of a premature termination codon in DYSF, a gene where loss-of-function variants are known to be pathogenic. Please note: this variant was assessed in the context of healthy population screening.